The following is an entry in ClinVar:

NM_000020.3(ACVRL1):c.-46C>G

Gene: ACVRL1 (activin A receptor like type 1; plus strand). Cytogenetic location: 12q13.13.
Variant type: single nucleotide variant.
Coding change: c.-46C>G on transcript NM_000020.3 (MANE Select); 46 bases upstream of the start codon, C replaced by G.
Molecular consequence: 5 prime UTR variant.
Genome position (GRCh38, 1-based): chr12:51,907,655, C>G. VCF-style: chr12-51907655-C-G. GRCh37 (hg19) VCF-style: chr12-52301439-C-G.
Identifiers: ClinVar variation 212792 (VCV000212792.13), dbSNP rs190953189, ClinGen allele CA324083.

ClinVar aggregate classification (germline): Benign. Review status: criteria provided, multiple submitters, no conflicts (2 of 4 stars). 4 submissions from 4 submitters: Benign (4). Last evaluated 2021-12-05.

Conditions:
Telangiectasia, hereditary hemorrhagic, type 2 (HHT2). Also called: Telangiectasia, hereditary hemorrhagic, type II; ACVRL1-Related Hereditary Hemorrhagic Telangiectasia. Identifiers: Orphanet 774, MedGen C1838163, MONDO:0010880, OMIM 600376. Disease mechanism: loss of function.

Allele frequency attached by ClinVar (database versions not stated): 1000 Genomes Project 0.00919; 1000 Genomes Project 30x 0.01031; gnomAD 0.01205 and 0.01297; TOPMed 0.01388; gnomAD exomes 0.03125.

Submissions (4):

Genome-Nilou Lab
Classification: Benign for Telangiectasia, hereditary hemorrhagic, type 2. Last evaluated: 2021-12-05. Review status: criteria provided, single submitter. Criteria: ACMG Guidelines, 2015. Collection method: clinical testing. Allele origin: germline. Affected: no.

ARUP Laboratories, Molecular Genetics and Genomics, ARUP Laboratories
Classification: Benign for Telangiectasia, hereditary hemorrhagic, type 2. Last evaluated: 2018-08-27. Review status: criteria provided, single submitter. Criteria: ARUP Molecular Germline Variant Investigation Process. Collection method: clinical testing. Allele origin: germline.

Illumina Laboratory Services, Illumina
Classification: Benign for Telangiectasia, hereditary hemorrhagic, type 2. Last evaluated: 2018-01-13. Review status: criteria provided, single submitter. Criteria: ICSL Variant Classification Criteria 13 December 2019. Collection method: clinical testing. Allele origin: germline.
Comment: This variant was observed in the ICSL laboratory as part of a predisposition screen in an ostensibly healthy population. It had not been previously curated by ICSL or reported in the Human Gene Mutation Database (HGMD: prior to June 1st, 2018), and was therefore a candidate for classification through an automated scoring system. Utilizing variant allele frequency, disease prevalence and penetrance estimates, and inheritance mode, an automated score was calculated to assess if this variant is too frequent to cause the disease. Based on the score and internal cut-off values, a variant classified as benign is not then subjected to further curation. The score for this variant resulted in a classification of benign for this disease.

GeneDx
Classification: Benign. Last evaluated: 2015-06-24. Review status: criteria provided, single submitter. Criteria: GeneDx Variant Classification (06012015). Collection method: clinical testing. Allele origin: germline. Affected: yes.
Comment: This variant is considered likely benign or benign based on one or more of the following criteria: it is a conservative change, it occurs at a poorly conserved position in the protein, it is predicted to be benign by multiple in silico algorithms, and/or has population frequency not consistent with disease.